The following is an entry in ClinVar:

NM_013275.6(ANKRD11):c.5425C>A (p.Leu1809Ile)

Gene: ANKRD11 (ankyrin repeat domain 11; minus strand). Cytogenetic location: 16q24.3.
Variant type: single nucleotide variant.
Coding change: c.5425C>A on transcript NM_013275.6 (MANE Select); coding-DNA position 5425, C replaced by A.
Protein change: p.Leu1809Ile; replaces leucine 1809 with isoleucine.
Molecular consequence: missense variant.
Genome position (GRCh38, 1-based): chr16:89,281,117, G>T on the plus strand (C>A on the coding strand, the complement: ANKRD11 is on the minus strand). VCF-style: chr16-89281117-G-T. GRCh37 (hg19) VCF-style: chr16-89347525-G-T.
Other names: c.5425C>A, p.Leu1809Ile (NM_001256182.2, NM_001256183.2); short protein forms L1809I.
Identifiers: ClinVar variation 4997261 (VCV004997261.1).

ClinVar aggregate classification (germline): Uncertain significance (1 of 4 stars; one submission).

Conditions:
ANKRD11-related disorder. Also called: ANKRD11-related condition.

Submission:

PreventionGenetics, part of Exact Sciences
Classification: Uncertain significance for ANKRD11-related condition. Last evaluated: 2025-02-15. Review status: criteria provided, single submitter. Criteria: ACMG Guidelines, 2015. Collection method: clinical testing. Allele origin: germline.
Comment: The ANKRD11 c.5425C>A variant is predicted to result in the amino acid substitution p.Leu1809Ile. To our knowledge, this variant has not been reported in the literature or in a large population database (gnomAD), indicating this variant is rare. At this time, the clinical significance of this variant is uncertain due to the absence of conclusive functional and genetic evidence.